The following is an entry in ClinVar:

ClinVar aggregate classification (germline): Uncertain significance (1 of 4 stars; one submission).

Conditions:
LAMA2-related muscular dystrophy (LAMA2-RD). Also called: Laminin alpha 2-related dystrophy. Identifiers: MedGen C5679788, MONDO:0100228.

Allele frequency attached by ClinVar (database versions not stated): gnomAD exomes below 0.00001.
gnomAD v4.1: 2 of 1,614,066 alleles (0.00012%); highest among the groups gnomAD compares: South Asian, 0.0011%; no homozygotes.

Submission:

Labcorp Genetics (formerly Invitae), Labcorp
Classification: Uncertain significance for LAMA2-related muscular dystrophy. Last evaluated: 2021-11-15. Review status: criteria provided, single submitter. Criteria: Invitae Variant Classification Sherloc (09022015). Collection method: clinical testing. Allele origin: germline.
Comment: This sequence change replaces isoleucine, which is neutral and non-polar, with threonine, which is neutral and polar, at codon 2727 of the LAMA2 protein (p.Ile2727Thr). This variant is present in population databases (no rsID available, gnomAD 0.0009%). This variant has not been reported in the literature in individuals affected with LAMA2-related conditions. Advanced modeling of protein sequence and biophysical properties (such as structural, functional, and spatial information, amino acid conservation, physicochemical variation, residue mobility, and thermodynamic stability) performed at Invitae indicates that this missense variant is not expected to disrupt LAMA2 protein function. In summary, the available evidence is currently insufficient to determine the role of this variant in disease. Therefore, it has been classified as a Variant of Uncertain Significance.

NM_000426.4(LAMA2):c.8180T>C (p.Ile2727Thr)

Gene: LAMA2 (laminin subunit alpha 2; plus strand). Cytogenetic location: 6q22.33.
Variant type: single nucleotide variant.
Coding change: c.8180T>C on transcript NM_000426.4 (MANE Select); coding-DNA position 8180, T replaced by C.
Protein change: p.Ile2727Thr; replaces isoleucine 2727 with threonine.
Molecular consequence: missense variant.
Genome position (GRCh38, 1-based): chr6:129,492,419, T>C. VCF-style: chr6-129492419-T-C. GRCh37 (hg19) VCF-style: chr6-129813564-T-C.
Other names: c.8168T>C, p.Ile2723Thr (NM_001079823.2); short protein forms I2723T, I2727T.
Identifiers: ClinVar variation 1435866 (VCV001435866.3), dbSNP rs1279611441, ClinGen allele CA365631545.